The following is an entry in ClinVar:

NM_000059.4(BRCA2):c.4060A>G (p.Thr1354Ala)

Gene: BRCA2 (BRCA2 DNA repair associated; plus strand). Cytogenetic location: 13q13.1.
Variant type: single nucleotide variant.
Coding change: c.4060A>G on transcript NM_000059.4 (MANE Select); coding-DNA position 4060, A replaced by G.
Protein change: p.Thr1354Ala; replaces threonine 1354 with alanine.
Molecular consequence: missense variant. On other transcripts: non-coding transcript variant (1), intron variant (2).
Genome position (GRCh38, 1-based): chr13:32,338,415, A>G. VCF-style: chr13-32338415-A-G. GRCh37 (hg19) VCF-style: chr13-32912552-A-G.
Other names: c.4060A>G, p.Thr1354Ala (NM_001406719.1, NM_001406720.1, NM_001432077.1); c.1909+5028A>G (NM_001406721.1); c.425-6143A>G (NM_001406722.1); short protein forms T1354A.
Identifiers: ClinVar variation 4781582 (VCV004781582.2).
Genomic context (GRCh38, chr13:32,338,415, plus strand): 5'-TTAGAATTTGATGGCAGTGATTCAAGTAAAAATGATACTGTTTGTATTCATAAAGATGAA[A>G]CGGACTTGCTATTTACTGATCAGCACAACATATGTCTTAAATTATCTGGCCAGTTTATGA-3'
Protein context (NP_000050.3, residues 1344-1364): NDTVCIHKDE[Thr1354Ala]DLLFTDQHNI

ClinVar aggregate classification (germline): Conflicting classifications of pathogenicity. Review status: criteria provided, conflicting classifications (1 of 4 stars). 2 submissions from 2 submitters: Uncertain significance (1); Likely benign (1). Last evaluated 2026-08-20.

Conditions:
Hereditary breast ovarian cancer syndrome. Also called: Hereditary breast and ovarian cancer syndrome; Breast and ovarian cancer; Hereditary breast and/or ovarian cancer syndrome; Hereditary breast and ovarian cancer syndrome (HBOC); Hereditary breast and ovarian cancer; BRCA1- and BRCA2-Associated Hereditary Breast and Ovarian Cancer. Identifiers: Orphanet 145, MedGen C0677776, MeSH D061325, MONDO:0003582. Disease mechanism: loss of function.
Hereditary cancer-predisposing syndrome. Also called: Hereditary Cancer Syndrome; Hereditary neoplastic syndrome; Neoplastic Syndromes, Hereditary; Tumor predisposition. Identifiers: Orphanet 140162, MedGen C0027672, MeSH D009386, MONDO:0015356.

Submissions (2):

Ambry Genetics
Classification: Likely benign for Hereditary cancer-predisposing syndrome. Last evaluated: 2026-08-20. Review status: criteria provided, single submitter. Criteria: Ambry Variant Classification Scheme 2023. Collection method: clinical testing. Allele origin: germline.

Labcorp Genetics (formerly Invitae), Labcorp
Classification: Uncertain significance for Hereditary breast ovarian cancer syndrome. Last evaluated: 2025-11-24. Review status: criteria provided, single submitter. Criteria: Invitae Variant Classification Sherloc (09022015). Collection method: clinical testing. Allele origin: germline.
Comment: This sequence change replaces threonine, which is neutral and polar, with alanine, which is neutral and non-polar, at codon 1354 of the BRCA2 protein (p.Thr1354Ala). This variant is not present in population databases (gnomAD no frequency). This variant has not been reported in the literature in individuals affected with BRCA2-related conditions. Invitae Evidence Modeling of protein sequence and biophysical properties (such as structural, functional, and spatial information, amino acid conservation, physicochemical variation, residue mobility, and thermodynamic stability) indicates that this missense variant is not expected to disrupt BRCA2 protein function with a negative predictive value of 95%. In summary, the available evidence is currently insufficient to determine the role of this variant in disease. Therefore, it has been classified as a Variant of Uncertain Significance.